The following is an entry in ClinVar:

NM_003824.4(FADD):c.6C>T (p.Asp2=)

Gene: FADD (Fas associated via death domain; plus strand). Cytogenetic location: 11q13.3.
Variant type: single nucleotide variant.
Coding change: c.6C>T on transcript NM_003824.4 (MANE Select); coding-DNA position 6, C replaced by T.
Protein change: p.Asp2=; no amino-acid change (aspartic acid 2 retained).
Molecular consequence: synonymous variant.
Genome position (GRCh38, 1-based): chr11:70,203,465, C>T. VCF-style: chr11-70203465-C-T. GRCh37 (hg19) VCF-style: chr11-70049571-C-T.
Other names: p.Asp2=; c.6C>T (NM_003824.3).
Identifiers: ClinVar variation 1141637 (VCV001141637.11), dbSNP rs753098564, ClinGen allele CA6158380.

ClinVar aggregate classification (germline): Likely benign. Review status: criteria provided, multiple submitters, no conflicts (2 of 4 stars). 3 submissions from 3 submitters: Likely benign (3). Last evaluated 2025-07-28.

Conditions:
FADD-related immunodeficiency. Also called: Infections, recurrent, with encephalopathy, hepatic dysfunction, and cardiovascular malformations; FADD DEFICIENCY. Identifiers: Orphanet 306550, MedGen C3151062, MONDO:0013408, OMIM 613759.

Allele frequency attached by ClinVar (database versions not stated): gnomAD 0.00002 and 0.00003; gnomAD exomes 0.00002 and 0.00006; ExAC 0.00004; TOPMed 0.00005.

Submissions (3):

Mayo Clinic Laboratories, Mayo Clinic
Classification: Likely benign. Last evaluated: 2025-07-28. Review status: criteria provided, single submitter. Criteria: ACMG Guidelines, 2015. Collection method: clinical testing. Allele origin: germline. Observed: 1 variant allele.
Comment: BP4, BP7

Labcorp Genetics (formerly Invitae), Labcorp
Classification: Likely benign for FADD-related immunodeficiency. Last evaluated: 2024-08-20. Review status: criteria provided, single submitter. Criteria: Invitae Variant Classification Sherloc (09022015). Collection method: clinical testing. Allele origin: germline.

Blueprint Genetics
Classification: Likely benign. Last evaluated: 2023-07-06. Review status: criteria provided, single submitter. Criteria: ACMG Guidelines, 2015. Collection method: clinical testing. Allele origin: germline.